The following is an entry in ClinVar:

NM_002971.6(SATB1):c.1719_1728del (p.Val574fs)

Gene: SATB1 (SATB homeobox 1; minus strand). Cytogenetic location: 3p24.3.
Variant type: Deletion.
Coding change: c.1719_1728del on transcript NM_002971.6 (MANE Select); coding-DNA positions 1719 to 1728, 10 bases deleted (GGTGCATCAC; older notation c.1719_1728delGGTGCATCAC).
Protein change: p.Val574fs; shifts the reading frame from valine 574.
Molecular consequence: frameshift variant.
Genome position (GRCh38, 1-based): chr3:18,352,043-18,352,052, GTGATGCACC deleted on the plus strand (GGTGCATCAC on the coding strand, the reverse complement: SATB1 is on the minus strand); deleting any 10 consecutive bases within chr3:18,352,043-18,352,053 gives the same sequence; the c. name uses the placement nearest the transcript's 3' end. VCF-style (leftmost placement, unchanged base first): chr3-18352042-GGTGATGCACC-G. GRCh37 (hg19) VCF-style: chr3-18393534-GGTGATGCACC-G.
Other names: c.1719_1728del, p.Val574fs (NM_001131010.4, NM_001195470.3, NM_001322871.2 and 4 more transcripts); c.1503_1512del, p.Val502fs (NM_001322876.2); short protein forms V502fs, V574fs.
Identifiers: ClinVar variation 4850516 (VCV004850516.2).

ClinVar aggregate classification (germline): Likely pathogenic. Review status: criteria provided, single submitter (1 of 4 stars). 2 submissions from 1 submitter: Likely pathogenic (2). Last evaluated 2025-12-22.

Conditions:
SATB1-related disorder. Also called: SATB1-related condition.
Kohlschutter-Tonz syndrome-like. Also called: DEN HOED-DE BOER-VOISIN SYNDROME. Identifiers: MedGen C5543202, MONDO:0030990, OMIM 619229.

Submissions (2):

PreventionGenetics, part of Exact Sciences
Classification: Likely pathogenic for Kohlschutter-Tonz syndrome-like. Last evaluated: 2025-12-22. Review status: criteria provided, single submitter. Criteria: ACMG Guidelines, 2015. Collection method: clinical testing. Allele origin: germline.
Comment: To our knowledge, this variant has not been reported in the literature or in a large population database (gnomAD), indicating this variant is rare. Frameshift variants in SATB1 are expected to be pathogenic. This variant is interpreted as likely pathogenic.

PreventionGenetics, part of Exact Sciences
Classification: Likely pathogenic for SATB1-related condition. Last evaluated: 2025-12-22. Review status: criteria provided, single submitter. Criteria: ACMG Guidelines, 2015. Collection method: clinical testing. Allele origin: germline.
Comment: The SATB1 c.1719_1728del10 variant is predicted to result in a frameshift and premature protein termination (p.Val574Metfs*162). To our knowledge, this variant has not been reported in the literature or in a large population database (gnomAD), indicating this variant is rare. Frameshift variants in SATB1 are expected to be pathogenic. This variant is interpreted as likely pathogenic.